The following is an entry in ClinVar:

NM_007262.5(PARK7):c.322+6G>A

Gene: PARK7 (Parkinsonism associated deglycase; plus strand). Cytogenetic location: 1p36.23.
Variant type: single nucleotide variant.
Coding change: c.322+6G>A on transcript NM_007262.5 (MANE Select); 6 bases into the intron after coding-DNA position 322, G replaced by A.
Molecular consequence: intron variant.
Genome position (GRCh38, 1-based): chr1:7,970,969, G>A. VCF-style: chr1-7970969-G-A. GRCh37 (hg19) VCF-style: chr1-8031029-G-A.
Other names: c.322+6G>A (NM_001123377.2).
Identifiers: ClinVar variation 2413710 (VCV002413710.2), dbSNP rs758620266, ClinGen allele CA569556.
Genomic context (GRCh38, chr1:7,970,969, plus strand): 5'-GAGATACTGAAGGAGCAGGAAAACCGGAAGGGCCTGATAGCCGCCATCTGTGCAGGTGAC[G>A]TGCAGGGGCAGCCTGTGTTGCAGCGTCATTGGTGGGTGGGGTAGCCTTTCATTCGATGGT-3'

ClinVar aggregate classification (germline): Uncertain significance (1 of 4 stars; one submission).

Conditions:
Autosomal recessive early-onset Parkinson disease 7. Identifiers: Orphanet 2828, MedGen C1853445, MONDO:0011658, OMIM 606324.

Allele frequency attached by ClinVar (database versions not stated): gnomAD 0.00006; TOPMed 0.00006; ExAC 0.00008.
gnomAD v4.1: 82 of 1,614,106 alleles (0.0051%); highest among the groups gnomAD compares: Admixed American, 0.0067%; no homozygotes.

Submission:

Labcorp Genetics (formerly Invitae), Labcorp
Classification: Uncertain significance for Autosomal recessive early-onset Parkinson disease 7. Last evaluated: 2022-04-09. Review status: criteria provided, single submitter. Criteria: Invitae Variant Classification Sherloc (09022015). Collection method: clinical testing. Allele origin: germline.
Comment: This sequence change falls in intron 5 of the PARK7 gene. It does not directly change the encoded amino acid sequence of the PARK7 protein. It affects a nucleotide within the consensus splice site. This variant is present in population databases (rs758620266, gnomAD 0.01%). This variant has not been reported in the literature in individuals affected with PARK7-related conditions. Variants that disrupt the consensus splice site are a relatively common cause of aberrant splicing (PMID: 17576681, 9536098). Algorithms developed to predict the effect of sequence changes on RNA splicing suggest that this variant is not likely to affect RNA splicing. In summary, the available evidence is currently insufficient to determine the role of this variant in disease. Therefore, it has been classified as a Variant of Uncertain Significance.

Literature cited by the submitters: PubMed 17576681; PubMed 9536098.